The following is an entry in ClinVar:

NM_052947.4(ALPK2):c.2274G>C (p.Arg758Ser)

Gene: ALPK2 (alpha kinase 2; minus strand). Cytogenetic location: 18q21.31.
Variant type: single nucleotide variant.
Coding change: c.2274G>C on transcript NM_052947.4 (MANE Select); coding-DNA position 2274, G replaced by C.
Protein change: p.Arg758Ser; replaces arginine 758 with serine.
Molecular consequence: missense variant.
Genome position (GRCh38, 1-based): chr18:58,537,913, C>G on the plus strand (G>C on the coding strand, the complement: ALPK2 is on the minus strand). VCF-style: chr18-58537913-C-G. GRCh37 (hg19) VCF-style: chr18-56205145-C-G.
Other names: short protein forms R758S.
Identifiers: ClinVar variation 1788835 (VCV001788835.3), dbSNP rs748269191, ClinGen allele CA300927700.

ClinVar aggregate classification (germline): Uncertain significance (1 of 4 stars; one submission).

Allele frequency attached by ClinVar (database versions not stated): gnomAD 0.00001.
gnomAD v4.1: 1 of 1,614,066 alleles (0.000062%); highest among the groups gnomAD compares: African/African-American, 0.0013%; no homozygotes.

Submission:

Ambry Genetics
Classification: Uncertain significance. Last evaluated: 2024-09-23. Review status: criteria provided, single submitter. Criteria: Ambry Variant Classification Scheme 2023. Collection method: clinical testing. Allele origin: germline.
Comment: The p.R758S variant (also known as c.2274G>C), located in coding exon 4 of the ALPK2 gene, results from a G to C substitution at nucleotide position 2274. The arginine at codon 758 is replaced by serine, an amino acid with dissimilar properties. This amino acid position is conserved. In addition, this alteration is predicted to be tolerated by in silico analysis. Since supporting evidence is limited at this time, the clinical significance of this alteration remains unclear.